The following is an entry in ClinVar:

NM_018051.5(DYNC2I1):c.1267A>G (p.Ile423Val)

Gene: DYNC2I1 (dynein 2 intermediate chain 1; plus strand). Cytogenetic location: 7q36.3.
Variant type: single nucleotide variant.
Coding change: c.1267A>G on transcript NM_018051.5 (MANE Select); coding-DNA position 1267, A replaced by G.
Protein change: p.Ile423Val; replaces isoleucine 423 with valine.
Molecular consequence: missense variant. On other transcripts: 5 prime UTR variant (3).
Genome position (GRCh38, 1-based): chr7:158,902,505, A>G. VCF-style: chr7-158902505-A-G. GRCh37 (hg19) VCF-style: chr7-158695196-A-G.
Other names: c.1129A>G, p.Ile377Val (NM_001350914.2); c.694A>G, p.Ile232Val (NM_001350915.2); c.-92A>G (NM_001350916.2); c.-100A>G (NM_001350917.2, NM_001350918.2); c.1267A>G (NM_018051.4); short protein forms I232V, I377V, I423V.
Identifiers: ClinVar variation 2045898 (VCV002045898.5), dbSNP rs373833205, ClinGen allele CA4594564.
Genomic context (GRCh38, chr7:158,902,505, plus strand): 5'-GAAAAACTGGAAGAACTTCCTCTAGCTCAAAAAAAGGAAATACAAGAAATTCAAAGAGCT[A>G]TTAATGCAGAAAATGAAAGGATTGGCGAGTTATCTTTGAAACTGTTTCAGAAGCGAGGTA-3'
Protein context (NP_060521.4, residues 413-433): KKEIQEIQRA[Ile423Val]NAENERIGEL

ClinVar aggregate classification (germline): Uncertain significance. Review status: criteria provided, multiple submitters, no conflicts (2 of 4 stars). 2 submissions from 2 submitters: Uncertain significance (2). Last evaluated 2025-12-04.

Conditions:
Inborn genetic diseases. Identifiers: MedGen C0950123, MeSH D030342.
Short-rib thoracic dysplasia 8 with or without polydactyly (SRTD8). Also called: SHORT-RIB THORACIC DYSPLASIA 8 WITH POLYDACTYLY. Identifiers: Orphanet 93271, MedGen C3809691, MONDO:0014214, OMIM 615503.

Allele frequency attached by ClinVar (database versions not stated): gnomAD 0.00013; TOPMed 0.00013; gnomAD exomes 0.00002; ESP Exome Variant Server 0.00008; ExAC 0.00001.
gnomAD v4.1: 53 of 1,613,960 alleles (0.0033%); highest among the groups gnomAD compares: African/African-American, 0.045%; no homozygotes.

Submissions (2):

Ambry Genetics
Classification: Uncertain significance for Inborn genetic diseases. Last evaluated: 2025-12-04. Review status: criteria provided, single submitter. Criteria: Ambry Variant Classification Scheme 2023. Collection method: clinical testing. Allele origin: germline.

Labcorp Genetics (formerly Invitae), Labcorp
Classification: Uncertain significance for Short-rib thoracic dysplasia 8 with or without polydactyly. Last evaluated: 2022-05-19. Review status: criteria provided, single submitter. Criteria: Invitae Variant Classification Sherloc (09022015). Collection method: clinical testing. Allele origin: germline.
Comment: This variant is present in population databases (rs373833205, gnomAD 0.03%). This sequence change replaces isoleucine, which is neutral and non-polar, with valine, which is neutral and non-polar, at codon 423 of the WDR60 protein (p.Ile423Val). This variant has not been reported in the literature in individuals affected with WDR60-related conditions. In summary, the available evidence is currently insufficient to determine the role of this variant in disease. Therefore, it has been classified as a Variant of Uncertain Significance. Algorithms developed to predict the effect of missense changes on protein structure and function (SIFT, PolyPhen-2, Align-GVGD) all suggest that this variant is likely to be tolerated.